The following is an entry in ClinVar:

NM_012186.3(FOXE3):c.387C>G (p.Phe129Leu)

Genes: FOXE3 (forkhead box E3; plus strand), LINC01389 (long independently transcribed non-coding RNA 1389; minus strand). Cytogenetic location: 1p33.
Variant type: single nucleotide variant.
Coding change: c.387C>G on transcript NM_012186.3 (MANE Select); coding-DNA position 387, C replaced by G.
Protein change: p.Phe129Leu; replaces phenylalanine 129 with leucine.
Molecular consequence: missense variant.
Genome position (GRCh38, 1-based): chr1:47,416,702, C>G. VCF-style: chr1-47416702-C-G. GRCh37 (hg19) VCF-style: chr1-47882374-C-G.
Other names: short protein forms F129L.
Identifiers: ClinVar variation 1424381 (VCV001424381.6), dbSNP rs2124042660, ClinGen allele CA340249821.

ClinVar aggregate classification (germline): Likely pathogenic (1 of 4 stars; one submission).

Conditions:
Congenital primary aphakia. Also called: ANTERIOR SEGMENT DYSGENESIS 2; Anterior segment dysgenesis 2, multiple subtypes. Identifiers: Orphanet 83461, MedGen C1853230, MONDO:0012456, OMIM 610256.
Anterior segment dysgenesis. Also called: Ocular anterior segment dysgenesis. Identifiers: Orphanet 88632, MedGen C1862839, MONDO:0019503, HP:0007700.

Submission:

Labcorp Genetics (formerly Invitae), Labcorp
Classification: Likely pathogenic for Anterior segment dysgenesis; Congenital primary aphakia. Last evaluated: 2023-03-10. Review status: criteria provided, single submitter. Criteria: Invitae Variant Classification Sherloc (09022015). Collection method: clinical testing. Allele origin: germline.
Comment: In summary, the currently available evidence indicates that the variant is pathogenic, but additional data are needed to prove that conclusively. Therefore, this variant has been classified as Likely Pathogenic. This missense change has been observed in individual(s) with autosomal recessive FOXE3-related conditions (PMID: 29878917). In at least one individual the data is consistent with being in trans (on the opposite chromosome) from a pathogenic variant. Advanced modeling of protein sequence and biophysical properties (such as structural, functional, and spatial information, amino acid conservation, physicochemical variation, residue mobility, and thermodynamic stability) performed at Invitae indicates that this missense variant is expected to disrupt FOXE3 protein function. ClinVar contains an entry for this variant (Variation ID: 1424381). This variant is not present in population databases (gnomAD no frequency). This sequence change replaces phenylalanine, which is neutral and non-polar, with leucine, which is neutral and non-polar, at codon 129 of the FOXE3 protein (p.Phe129Leu).

Literature cited by the submitters: PubMed 29878917.